The following is an entry in ClinVar:

NM_007294.4(BRCA1):c.5333-9C>A

Gene: BRCA1 (BRCA1 DNA repair associated; minus strand). Cytogenetic location: 17q21.31.
Variant type: single nucleotide variant.
Coding change: c.5333-9C>A on transcript NM_007294.4 (MANE Select); 9 bases into the intron before coding-DNA position 5333, C replaced by A.
Molecular consequence: intron variant.
Genome position (GRCh38, 1-based): chr17:43,049,203, G>T on the plus strand (C>A on the coding strand, the complement: BRCA1 is on the minus strand). VCF-style: chr17-43049203-G-T. GRCh37 (hg19) VCF-style: chr17-41201220-G-T.
Other names: c.1880-9C>A (NM_001408458.1, NM_001408461.1, NM_001408464.1 and 7 more transcripts); c.4442-9C>A (NM_001407967.1); c.4952-9C>A (NM_001407959.1); c.5066-9C>A (NM_001407931.1, NM_001407932.1, NM_001407928.1 and 4 more transcripts); c.5189-9C>A (NM_001407747.1, NM_001407745.1, NM_001407737.1 and 18 more transcripts); c.4949-9C>A (NM_001407962.1, NM_001407960.1); c.1520-9C>A (NM_001408512.1); c.1643-9C>A (NM_001408510.1); and 84 more.
Identifiers: ClinVar variation 865348 (VCV000865348.3), dbSNP rs2051099141, ClinGen allele CA916080896.

Conditions:
Breast-ovarian cancer, familial, susceptibility to, 1 (BROVCA1). Also called: BRCA1 Hereditary Breast and Ovarian Cancer; OVARIAN CANCER, SUSCEPTIBILITY TO. Identifiers: Orphanet 145, MedGen C2676676, MONDO:0011450, OMIM 604370. Disease mechanism: loss of function.

Allele frequency attached by ClinVar (database versions not stated): gnomAD exomes below 0.00001.
gnomAD v4.1: 1 of 1,611,602 alleles (0.000062%); highest among the groups gnomAD compares: Non-Finnish European, 0.000085%; no homozygotes.

Submission:

Brotman Baty Institute, University of Washington
No classification provided (evidence only). Condition: Breast-ovarian cancer, familial 1. Review status: no classification provided. Collection method: in vitro. Allele origin: not applicable. Functional consequence: functionally_normal.
ClinVar note: "not provided" was previously submitted as the classification for the variant. However, the classification appeared to be based only on an observation of functional data so it was converted to no classification on 2025-07-30.